The following is an entry in ClinVar:

ClinVar aggregate classification (germline): Uncertain significance (1 of 4 stars; one submission).

Submission:

GeneDx
Classification: Uncertain significance. Last evaluated: 2023-05-25. Review status: criteria provided, single submitter. Criteria: GeneDx Variant Classification Process June 2021. Collection method: clinical testing. Allele origin: germline. Affected: yes.
Comment: Not observed at significant frequency in large population cohorts (gnomAD); In silico analysis supports that this missense variant does not alter protein structure/function; However, In silico analysis suggests this variant may impact gene splicing. In the absence of RNA/functional studies, the actual effect of this sequence change is unknown.; Has not been previously published as pathogenic or benign to our knowledge

NM_002890.3(RASA1):c.786G>C (p.Leu262Phe)

Genes: CCNH (cyclin H; minus strand), RASA1 (RAS p21 protein activator 1; plus strand). Cytogenetic location: 5q14.3.
Variant type: single nucleotide variant.
Coding change: c.786G>C on transcript NM_002890.3 (MANE Select); coding-DNA position 786, G replaced by C.
Protein change: p.Leu262Phe; replaces leucine 262 with phenylalanine.
Molecular consequence: missense variant. On other transcripts: intron variant (1).
Genome position (GRCh38, 1-based): chr5:87,332,600, G>C. VCF-style: chr5-87332600-G-C. GRCh37 (hg19) VCF-style: chr5-86628417-G-C.
Other names: c.255G>C, p.Leu85Phe (NM_022650.3); c.934-19805C>G (NM_001364075.2); short protein forms L262F, L85F.
Identifiers: ClinVar variation 3362071 (VCV003362071.1).